The following is an entry in ClinVar:

NM_178857.6(RP1L1):c.516del (p.His172fs)

Gene: RP1L1 (RP1 like 1). Cytogenetic location: 8p23.1.
Variant type: Deletion.
Coding change: c.516del on transcript NM_178857.6 (MANE Select); coding-DNA position 516, one base deleted.
Protein change: p.His172fs; shifts the reading frame from histidine 172.
Molecular consequence: frameshift variant.
Genome position: GRCh38 VCF-style: chr8-10622685-TG-T. GRCh37 (hg19) VCF-style: chr8-10480195-TG-T.
Other names: short protein forms H172fs.
Identifiers: ClinVar variation 3544475 (VCV003544475.2).

ClinVar aggregate classification (germline): Conflicting classifications of pathogenicity. Review status: criteria provided, conflicting classifications (1 of 4 stars). 2 submissions from 2 submitters: Pathogenic (1); Uncertain significance (1). Last evaluated 2025-11-01.

Conditions:
Retinitis pigmentosa (RP). Identifiers: Orphanet 791, MedGen C0035334, MeSH D012174, MONDO:0019200, OMIM 268000. Inheritance: Autosomal dominant, autosomal recessive and X linked inheritance.

Submissions (2):

Labcorp Genetics (formerly Invitae), Labcorp
Classification: Uncertain significance. Last evaluated: 2025-11-01. Review status: criteria provided, single submitter. Criteria: Invitae Variant Classification Sherloc (09022015). Collection method: clinical testing. Allele origin: germline.
Comment: This sequence change creates a premature translational stop signal (p.His172Glnfs*22) in the RP1L1 gene. It is expected to result in an absent or disrupted protein product. However, the current clinical and genetic evidence is not sufficient to establish whether loss-of-function variants in RP1L1 cause disease. This variant is not present in population databases (gnomAD no frequency). This variant has not been reported in the literature in individuals affected with RP1L1-related conditions. ClinVar contains an entry for this variant (Variation ID: 3544475). In summary, the available evidence is currently insufficient to determine the role of this variant in disease. Therefore, it has been classified as a Variant of Uncertain Significance.

Lab De Baere, Eye and Developmental Genetics Lab, Ghent University
Classification: Pathogenic for Retinitis pigmentosa. Last evaluated: 2024-10-01. Review status: criteria provided, single submitter. Criteria: ACMG Guidelines, 2015. Collection method: research. Allele origin: inherited. Affected: yes. Observed: 1 variant allele.
Comment: ACMG/AMP guidelines: PM2, PP4_PP, PVS1, PM3_PP